The following is an entry in ClinVar:

NM_006070.6(TFG):c.820+3G>A

Gene: TFG (trafficking from ER to golgi regulator; plus strand). Cytogenetic location: 3q12.2.
Variant type: single nucleotide variant.
Coding change: c.820+3G>A on transcript NM_006070.6 (MANE Select); 3 bases into the intron after coding-DNA position 820, G replaced by A.
Molecular consequence: intron variant.
Genome position (GRCh38, 1-based): chr3:100,744,934, G>A. VCF-style: chr3-100744934-G-A. GRCh37 (hg19) VCF-style: chr3-100463778-G-A.
Other names: c.820+3G>A (NM_001007565.2, NM_001195478.2); c.808+3G>A (NM_001195479.2).
Identifiers: ClinVar variation 1019766 (VCV001019766.10), dbSNP rs367852812, ClinGen allele CA2517194.

ClinVar aggregate classification (germline): Uncertain significance. Review status: criteria provided, multiple submitters, no conflicts (2 of 4 stars). 3 submissions from 3 submitters: Uncertain significance (3). Last evaluated 2025-10-09.

Conditions:
Hereditary motor and sensory neuropathy, Okinawa type (HMSNO). Also called: HEREDITARY MOTOR AND SENSORY NEUROPATHY, PROXIMAL TYPE. Identifiers: Orphanet 90117, MedGen C1858338, MONDO:0011468, OMIM 604484.
Hereditary spastic paraplegia 57. Also called: Spastic paraplegia 57, autosomal recessive. Identifiers: Orphanet 431329, MedGen C3714897, MONDO:0014295, OMIM 615658.
Inborn genetic diseases. Identifiers: MedGen C0950123, MeSH D030342.

Allele frequency attached by ClinVar (database versions not stated): ExAC 0.00001; gnomAD exomes 0.00001; ESP Exome Variant Server 0.00015; TOPMed 0.00002; gnomAD 0.00004.
gnomAD v4.1: 16 of 1,599,718 alleles (0.001%); highest among the groups gnomAD compares: African/African-American, 0.0027%; no homozygotes.

Submissions (3):

Labcorp Genetics (formerly Invitae), Labcorp
Classification: Uncertain significance for Hereditary motor and sensory neuropathy, Okinawa type; Hereditary spastic paraplegia 57. Last evaluated: 2025-10-09. Review status: criteria provided, single submitter. Criteria: Invitae Variant Classification Sherloc (09022015). Collection method: clinical testing. Allele origin: germline.
Comment: This sequence change falls in intron 7 of the TFG gene. It does not directly change the encoded amino acid sequence of the TFG protein. It affects a nucleotide within the consensus splice site. This variant is present in population databases (rs367852812, gnomAD 0.003%). This variant has not been reported in the literature in individuals affected with TFG-related conditions. ClinVar contains an entry for this variant (Variation ID: 1019766). Variants that disrupt the consensus splice site are a relatively common cause of aberrant splicing (PMID: 17576681, 9536098). Algorithms developed to predict the effect of sequence changes on RNA splicing suggest that this variant is not likely to affect RNA splicing. In summary, the available evidence is currently insufficient to determine the role of this variant in disease. Therefore, it has been classified as a Variant of Uncertain Significance.

Ambry Genetics
Classification: Uncertain significance for Inborn genetic diseases. Last evaluated: 2021-06-23. Review status: criteria provided, single submitter. Criteria: Ambry Variant Classification Scheme 2023. Collection method: clinical testing. Allele origin: germline.
Comment: The c.820+3G>A intronic variant results from a G to A substitution 3 nucleotides after coding exon 6 in the TFG gene. This nucleotide position is not well conserved in available vertebrate species. In silico splice site analysis predicts that this alteration will not have any significant effect on splicing. Since supporting evidence is limited at this time, the clinical significance of this alteration remains unclear.

GeneDx
Classification: Uncertain significance. Last evaluated: 2019-06-03. Review status: criteria provided, single submitter. Criteria: GeneDx Variant Classification Process June 2021. Collection method: clinical testing. Allele origin: germline. Affected: yes.
Comment: Not observed at a significant frequency in large population cohorts (Lek et al., 2016); Nucleotide substitution has no predicted effect on splicing and is not conserved across species; Has not been previously published as pathogenic or benign to our knowledge

Literature cited by the submitters: PubMed 17576681 (cited by Labcorp Genetics (formerly Invitae), Labcorp); PubMed 9536098 (cited by Labcorp Genetics (formerly Invitae), Labcorp).